The following is an entry in ClinVar:

NM_000070.3(CAPN3):c.1193+243C>T

Gene: CAPN3 (calpain 3; plus strand). Cytogenetic location: 15q15.1.
Variant type: single nucleotide variant.
Coding change: c.1193+243C>T on transcript NM_000070.3 (MANE Select); 243 bases into the intron after coding-DNA position 1193, C replaced by T.
Molecular consequence: intron variant.
Genome position (GRCh38, 1-based): chr15:42,397,120, C>T. VCF-style: chr15-42397120-C-T. GRCh37 (hg19) VCF-style: chr15-42689318-C-T.
Other names: c.1193+243C>T (NM_024344.2); c.1049+243C>T (NM_173087.2).
Identifiers: ClinVar variation 680085 (VCV000680085.1), dbSNP rs28364469, ClinGen allele CA14169812.

ClinVar aggregate classification (germline): Likely benign (1 of 4 stars; one submission).

Allele frequency attached by ClinVar (database versions not stated): 1000 Genomes Project 0.02296; gnomAD 0.03255 and 0.03345; TOPMed 0.03365.
gnomAD v4.1: 4,952 of 152,274 alleles (3.3%); highest among the groups gnomAD compares: Non-Finnish European, 3.7%; 84 homozygotes.

Submission:

GeneDx
Classification: Likely benign. Last evaluated: 2018-06-16. Review status: criteria provided, single submitter. Criteria: GeneDx Variant Classification (06012015). Collection method: clinical testing. Allele origin: germline. Affected: yes.
Comment: This variant is considered likely benign or benign based on one or more of the following criteria: it is a conservative change, it occurs at a poorly conserved position in the protein, it is predicted to be benign by multiple in silico algorithms, and/or has population frequency not consistent with disease.